The following is an entry in ClinVar:

ClinVar aggregate classification (germline): Uncertain significance (1 of 4 stars; one submission).

Submission:

GeneDx
Classification: Uncertain significance. Last evaluated: 2026-02-10. Review status: criteria provided, single submitter. Criteria: GeneDx Variant Classification Process June 2021. Collection method: clinical testing. Allele origin: germline.
Comment: Not observed at significant frequency in large population cohorts (gnomAD); In silico analysis suggests that this missense variant does not alter protein structure/function; Has not been previously published as pathogenic or benign to our knowledge

NM_002637.4(PHKA1):c.1453A>G (p.Ser485Gly)

Gene: PHKA1 (phosphorylase kinase regulatory subunit alpha 1; minus strand). Cytogenetic location: Xq13.1.
Variant type: single nucleotide variant.
Coding change: c.1453A>G on transcript NM_002637.4 (MANE Select); coding-DNA position 1453, A replaced by G.
Protein change: p.Ser485Gly; replaces serine 485 with glycine.
Molecular consequence: missense variant.
Genome position (GRCh38, 1-based): chrX:72,644,368, T>C on the plus strand (A>G on the coding strand, the complement: PHKA1 is on the minus strand). VCF-style: chrX-72644368-T-C. GRCh37 (hg19) VCF-style: chrX-71864218-T-C.
Other names: c.1453A>G, p.Ser485Gly (NM_001122670.2, NM_001172436.2, NM_001431068.1 and 2 more transcripts); short protein forms S485G.
Identifiers: ClinVar variation 4976505 (VCV004976505.1).
Genomic context (GRCh38, chrX:72,644,368, plus strand): 5'-ACCAGCCTATAATGAATAATGCTTTGATTCTAGCAGGCTAGCCAATCTCCTTACCTAGGC[T>C]GGAATAAATGTGGCTGAGAATACGAGCTGGTTGTACTCTGATGGGGTATACCTCAGCAAT-3'
Protein context (NP_002628.2, residues 475-495): PARILSHIYS[Ser485Gly]LGCNNRMKLS